The following is an entry in ClinVar:

ClinVar aggregate classification (germline): Likely pathogenic. Review status: criteria provided, multiple submitters, no conflicts (2 of 4 stars). 2 submissions from 2 submitters: Likely pathogenic (2). Last evaluated 2024-05-04.

Conditions:
Susceptibility to mononeuropathy of the median nerve, mild. Also called: CARPAL TUNNEL SYNDROME, SUSCEPTIBILITY TO. Identifiers: MedGen C3150596, MONDO:0013237, OMIM 613353.
Charcot-Marie-Tooth disease type 4C (CMT4C). Also called: Charcot-Marie-Tooth Neuropathy Type 4C (CMT4C); CHARCOT-MARIE-TOOTH DISEASE, DEMYELINATING, TYPE 4C; CHARCOT-MARIE-TOOTH DISEASE, DEMYELINATING, AUTOSOMAL RECESSIVE, TYPE 4C; SH3TC2-Related Hereditary Motor and Sensory Neuropathy; CMT 4C. Identifiers: Orphanet 99949, MedGen C1866636, MONDO:0011113, OMIM 601596.
Charcot-Marie-Tooth disease type 4. Also called: Charcot-Marie-Tooth disease, type IV; Charcot-Marie-Tooth, Type 4. Identifiers: Orphanet 64749, MedGen C4082197, MONDO:0018995.

Submissions (2):

Fulgent Genetics
Classification: Likely pathogenic for Charcot-Marie-Tooth disease type 4C; Susceptibility to mononeuropathy of the median nerve, mild. Last evaluated: 2024-05-04. Review status: criteria provided, single submitter. Criteria: ACMG Guidelines, 2015. Collection method: clinical testing. Allele origin: germline.

Labcorp Genetics (formerly Invitae), Labcorp
Classification: Likely pathogenic for Charcot-Marie-Tooth disease type 4. Last evaluated: 2019-01-10. Review status: criteria provided, single submitter. Criteria: Invitae Variant Classification Sherloc (09022015). Collection method: clinical testing. Allele origin: germline.
Comment: In summary, the currently available evidence indicates that the variant is pathogenic, but additional data are needed to prove that conclusively. Therefore, this variant has been classified as Likely Pathogenic. This sequence change replaces arginine with tryptophan at codon 529 of the SH3TC2 protein (p.Arg529Trp). The arginine residue is highly conserved and there is a moderate physicochemical difference between arginine and tryptophan. This variant has been observed in multiple individuals affected with autosomal recessive Charcot-Marie-Tooth disease (CMT4) (PMID: 30001926). ClinVar contains an entry for this variant (Variation ID: 216738). Algorithms developed to predict the effect of missense changes on protein structure and function (SIFT, PolyPhen-2, Align-GVGD) all suggest that this variant is likely to be disruptive, but these predictions have not been confirmed by published functional studies.

Literature cited by the submitters: PubMed 30001926 (cited by Labcorp Genetics (formerly Invitae), Labcorp).

NM_024577.4(SH3TC2):c.1585_1587delinsTGG (p.Arg529Trp)

Gene: SH3TC2 (SH3 domain and tetratricopeptide repeats 2; minus strand). Cytogenetic location: 5q32.
Variant type: Indel.
Coding change: c.1585_1587delinsTGG on transcript NM_024577.4 (MANE Select); coding-DNA positions 1585 to 1587, CGT replaced by TGG.
Protein change: p.Arg529Trp; replaces arginine 529 with tryptophan.
Molecular consequence: missense variant.
Genome position (GRCh38, 1-based): chr5:149,028,145-149,028,147, ACG replaced by CCA on the plus strand (CGT replaced by TGG on the coding strand, the reverse complement: SH3TC2 is on the minus strand). VCF-style: chr5-149028145-ACG-CCA. GRCh37 (hg19) VCF-style: chr5-148407708-ACG-CCA.
Other names: c.1585_1587delCGTinsTGG (NM_024577.3); short protein forms R529W.
Identifiers: ClinVar variation 216738 (VCV000216738.11), dbSNP rs863224781, ClinGen allele CA336099.
Genomic context (GRCh38, chr5:149,028,145, plus strand): 5'-CACCCTGGCCTGAGAGAGTTTGACCTTCCTGATGCTCAGCCGGCCCAGGAGGAAGCAGAG[ACG>CCA]GGCATGGGCCCAGGTCATGTGGCTCTTCTTGGCCCACTTTCTTGATGCCTCCAGGTAGGC-3'
Protein context (NP_078853.2, residues 519-539): KKSHMTWAHA[Arg529Trp]LCFLLGRLSI